The following is an entry in ClinVar:

NM_001374385.1(ATP8B1):c.1091C>A (p.Ala364Glu)

Gene: ATP8B1 (ATPase phospholipid transporting 8B1; minus strand). Cytogenetic location: 18q21.31.
Variant type: single nucleotide variant.
Coding change: c.1091C>A on transcript NM_001374385.1 (MANE Select); coding-DNA position 1091, C replaced by A.
Protein change: p.Ala364Glu; replaces alanine 364 with glutamic acid.
Molecular consequence: missense variant.
Genome position (GRCh38, 1-based): chr18:57,691,936, G>T on the plus strand (C>A on the coding strand, the complement: ATP8B1 is on the minus strand). VCF-style: chr18-57691936-G-T. GRCh37 (hg19) VCF-style: chr18-55359168-G-T.
Other names: c.941C>A, p.Ala314Glu (NM_001374386.1); c.1091C>A, p.Ala364Glu (NM_005603.6); short protein forms A314E, A364E.
Identifiers: ClinVar variation 4846581 (VCV004846581.1).

ClinVar aggregate classification (germline): Uncertain significance (1 of 4 stars; one submission).

Conditions:
Familial intrahepatic cholestasis. Identifiers: Orphanet 284385, MedGen CN296401, MONDO:0017290.

Submission:

Genomenon, Inc
Classification: Uncertain significance for Familial intrahepatic cholestasis. Last evaluated: 2026-04-14. Review status: criteria provided, single submitter. Criteria: Genomenon Sequence Variant Interpretation Standards - Updated. Collection method: curation. Allele origin: germline. Affected: no.
Comment: ATP8B1 p.Ala364Glu (c.1091C>A) is a missense variant that changes the amino acid at residue 364 from Alanine to Glutamic acid. This variant has been reported in the published literature (PMID:37208429). It is absent or not present at a significant frequency in gnomAD. In silico models predict that this variant is not damaging. In conclusion, we classify ATP8B1 p.Ala364Glu (c.1091C>A) as a variant of uncertain significance.

Literature cited by the submitters: PubMed 37208429.